The following continues an entry in ClinVar:

NM_007294.4(BRCA1):c.4524G>A (p.Trp1508Ter)

Gene: BRCA1. ClinVar aggregate classification (germline): Pathogenic. Pathogenic (1).

Submissions 12 to 22 of 31:

All of Us Research Program, National Institutes of Health
Classification: Pathogenic for Breast-ovarian cancer, familial, susceptibility to, 1. Last evaluated: 2024-01-04. Review status: criteria provided, single submitter. Criteria: ACMG Guidelines, 2015. Collection method: clinical testing. Allele origin: germline. Inheritance: Autosomal dominant inheritance. Observed: 2 variant alleles, 2 heterozygotes. Not counted in ClinVar's aggregate classification.
Comment: This variant changes 1 nucleotide in exon 14 of the BRCA1 gene, creating a premature translation stop signal. This variant is expected to result in an absent or non-functional protein product. To our knowledge, functional studies have not been reported for this variant. This variant has been reported in at least 10 individuals affected with breast, ovarian and peritoneal cancer and in a breast cancer case-control meta-analysis in 3 cases and 1 unaffected control (PMID: 11504767, 22006311, 23982851, 25452441, 26250392, 27082205, 29021639, 33471991; Leiden Open Variation Database DB-ID BRCA1_000323) and also in suspected hereditary breast and ovarian cancer families (PMID: 12402332, 20960228, 25863477). This variant also has been reported in an individual affected with pancreatic cancer (PMID: 29506128). This variant has not been identified in the general population by the Genome Aggregation Database (gnomAD). Loss of BRCA1 function is a known mechanism of disease. Based on the available evidence, this variant is classified as Pathogenic.

This study involves interpretation of variants in research participants for the purpose of population health screening. Participant phenotype was not available at the time of variant classification. Additional details can be found in publication PMID: 35346344, PMCID: PMC8962531

GeneDx
Classification: Pathogenic. Last evaluated: 2023-06-18. Review status: criteria provided, single submitter. Criteria: GeneDx Variant Classification Process June 2021. Collection method: clinical testing. Allele origin: germline. Affected: yes. Not counted in ClinVar's aggregate classification.
Comment: Nonsense variant predicted to result in protein truncation or nonsense mediated decay in a gene for which loss of function is a known mechanism of disease; Observed in individuals with a personal or family history consistent with pathogenic variants in this gene (Laitman et al., 2011; Walsh et al., 2011; Bayraktar et al., 2012; Lynce et al., 2015); Not observed at significant frequency in large population cohorts (gnomAD); Truncating variants in this gene are considered pathogenic by a well-established clinical consortium and/or database; Also known as 4643G>A; This variant is associated with the following publications: (PMID: 26250392, 22009639, 11504767, 24830819, 29506128, 34290354, 34657373, 28888541, 33858029, 25525159, 20960228, 12402332, 22006311, 27082205, 29446198, 30199306, 33087929, 25863477, 29021639, 27208206, 25452441)

CHEO Genetics Diagnostic Laboratory, Children's Hospital of Eastern Ontario
Classification: Pathogenic for Breast and/or ovarian cancer. Last evaluated: 2023-03-03. Review status: criteria provided, single submitter. Criteria: ACMG Guidelines, 2015. Collection method: clinical testing. Allele origin: germline. Not counted in ClinVar's aggregate classification.

National Health Laboratory Service, Universitas Academic Hospital and University of the Free State
Classification: Pathogenic for Hereditary breast ovarian cancer syndrome. Last evaluated: 2021-11-16. Review status: criteria provided, single submitter. Criteria: ACMG Guidelines, 2015. Collection method: clinical testing. Allele origin: germline. Affected: yes. Observed: 1 variant allele. Not counted in ClinVar's aggregate classification.

Women's Health and Genetics/Laboratory Corporation of America, LabCorp
Classification: Pathogenic for Hereditary breast and ovarian cancer syndrome. Last evaluated: 2020-07-13. Review status: criteria provided, single submitter. Criteria: LabCorp Variant Classification Summary - May 2015. Collection method: clinical testing. Allele origin: germline. Not counted in ClinVar's aggregate classification.
Comment: Variant summary: BRCA1 c.4524G>A (p.Trp1508X) results in a premature termination codon, predicted to cause a truncation of the encoded protein or absence of the protein due to nonsense mediated decay, which are commonly known mechanisms for disease. Truncations downstream of this position have been classified as pathogenic by our laboratory. The variant was absent in 251348 control chromosomes. c.4524G>A has been widely reported in the literature in multiple individuals affected with Hereditary Breast And Ovarian Cancer Syndrome (example, Loman_2001, Phelan_2002, Judkins_2005, Laitman_2011, Walsh_2011, Bayraktar_2012, Bu_2016). These data indicate that the variant is very likely to be associated with disease. To our knowledge, no experimental evidence demonstrating an impact on protein function has been reported. Twelve clinical diagnostic laboratories and one expert panel (ENIGMA) have submitted clinical-significance assessments for this variant to ClinVar after 2014 without evidence for independent evaluation. All submitters classified the variant as pathogenic. Based on the evidence outlined above, the variant was classified as pathogenic.

GeneKor MSA
Classification: Pathogenic. Last evaluated: 2020-01-01. Review status: criteria provided, single submitter. Criteria: ACMG Guidelines, 2015. Collection method: clinical testing. Allele origin: germline. Not counted in ClinVar's aggregate classification.
Comment: This variant is a single amino acid change from Tryptophan to a termination codon at amino acid residue 1508 of the BRCA1 gene. It results in a truncated non-functional protein. Truncating variants in the BRCA1 gene are known to be pathogenic. This variant is also known as c.4643G>A in the literature. This particular truncation has been reported in the literature in an individual from a high risk breast and/or ovarian cancer family (PMID: 20960228) in individuals with breast cancer (PMID: 25863477, 11504767) and in an individual with peritoneal cancer (PMID: 22006311). The mutation database ClinVar contains entries for this variant (Variation ID: 55221).

Laboratory for Molecular Medicine, Mass General Brigham Personalized Medicine
Classification: Pathogenic for Hereditary breast ovarian cancer syndrome. Last evaluated: 2019-08-07. Review status: criteria provided, single submitter. Criteria: LMM Criteria. Collection method: clinical testing. Allele origin: germline. Inheritance: Autosomal dominant inheritance. Observed: 1 variant allele. Not counted in ClinVar's aggregate classification.
Comment: The p.Trp1508X variant in BRCA1 has been reported in >13 individuals with BRCA1-related cancers (Loman 2001, Laitman 2011, Walsh 2011, Bayraktar 2012, Lowery 2018, BIC database). It was absent from large population studies. This nonsense variant leads to a premature termination codon at position 1508, which is predicted to lead to a truncated or absent protein. Loss of function of the BRCA1 gene is an established disease mechanism in autosomal dominant hereditary breast and ovarian cancer syndrome (HBOC). Additionally, this variant was classified as Pathogenic on Sept 8, 2016 by the ClinGen-approved ENIGMA expert panel (Variation ID: 55221). In summary, this variant meets criteria to be classified as pathogenic for autosomal dominant HBOC. ACMG/AMP Criteria applied: PVS1, PM2, PS4_Moderate.

ARUP Laboratories, Molecular Genetics and Genomics, ARUP Laboratories
Classification: Pathogenic. Last evaluated: 2019-01-16. Review status: criteria provided, single submitter. Criteria: ARUP Molecular Germline Variant Investigation Process. Collection method: clinical testing. Allele origin: germline. Not counted in ClinVar's aggregate classification.
Comment: The BRCA1 c.4524G>A; p.Trp1508Ter variant (rs80356885), also known as 4643G>A, is reported in the literature in multiple individuals affected with breast and/or ovarian cancer (Bu 2016, Couch 2015, Kang 2015, Laitman 2011, Loman 2001, Lynce 2015,) or other cancer types (Lowery 2018, Rebbeck 2018, Walsh 2011). This variant is reported as pathogenic by multiple laboratories in ClinVar (Variation ID: 55221), and is absent from general population databases (Exome Variant Server, Genome Aggregation Database), indicating it is not a common polymorphism. This variant induces an early termination codon and is predicted to result in a truncated protein or mRNA subject to nonsense-mediated decay. Based on available information, this variant is considered to be pathogenic. References: Bu R et al. Identification of novel BRCA founder mutations in Middle Eastern breast cancer patients using capture and Sanger sequencing analysis. Int J Cancer. 2016 Sep 1;139(5):1091-7. Couch FJ et al. Inherited mutations in 17 breast cancer susceptibility genes among a large triple-negative breast cancer cohort unselected for family history of breast cancer. J Clin Oncol. 2015 Feb 1;33(4):304-11. Kang E et al. The prevalence and spectrum of BRCA1 and BRCA2 mutations in Korean population: recent update of the Korean Hereditary Breast Cancer (KOHBRA) study. Breast Cancer Res Treat. 2015 May;151(1):157-68. Laitman Y et al. Germline mutations in BRCA1 and BRCA2 genes in ethnically diverse high risk families in Israel. Breast Cancer Res Treat. 2011 Jun;127(2):489-95. Loman N et al. Family history of breast and ovarian cancers and BRCA1 and BRCA2 mutations in a population-based series of early-onset breast cancer. J Natl Cancer Inst. 2001 Aug 15;93(16):1215-23. Lowery MA et al. Prospective Evaluation of Germline Alterations in Patients With Exocrine Pancreatic Neoplasms. J Natl Cancer Inst. 2018 Oct 1;110(10):1067-1074. Lynce F et al. Deleterious BRCA1/2 mutations in an urban population of Black women. Breast Cancer Res Treat. 2015 Aug;153(1):201-9. Rebbeck TR et al. Mutational spectrum in a worldwide study of 29,700 families with BRCA1 or BRCA2 mutations. Hum Mutat. 2018 May;39(5):593-620. Walsh T et al. Mutations in 12 genes for inherited ovarian, fallopian tube, and peritoneal carcinoma identified by massively parallel sequencing. Proc Natl Acad Sci U S A. 2011 Nov 1;108(44):18032-7.

Fulgent Genetics
Classification: Pathogenic for Familial cancer of breast; Breast-ovarian cancer, familial, susceptibility to, 1; Pancreatic cancer, susceptibility to, 4; Fanconi anemia, complementation group S. Last evaluated: 2018-10-31. Review status: criteria provided, single submitter. Criteria: ACMG Guidelines, 2015. Collection method: clinical testing. Allele origin: unknown. Not counted in ClinVar's aggregate classification.

PreventionGenetics, part of Exact Sciences
Classification: Pathogenic. Last evaluated: 2017-07-31. Review status: criteria provided, single submitter. Criteria: ACMG Guidelines, 2015. Collection method: clinical testing. Allele origin: germline. Not counted in ClinVar's aggregate classification.

Consortium of Investigators of Modifiers of BRCA1/2 (CIMBA), c/o University of Cambridge
Classification: Pathogenic for Breast-ovarian cancer, familial, susceptibility to, 1. Last evaluated: 2015-10-02. Review status: criteria provided, single submitter. Criteria: CIMBA Mutation Classification guidelines May 2016. Collection method: clinical testing. Allele origin: germline. Not counted in ClinVar's aggregate classification.